The following is an entry in ClinVar:

NM_001242896.3(DEPDC5):c.3457T>C (p.Tyr1153His)

Gene: DEPDC5 (DEP domain containing 5, GATOR1 subcomplex subunit; plus strand). Cytogenetic location: 22q12.3.
Variant type: single nucleotide variant.
Coding change: c.3457T>C on transcript NM_001242896.3 (MANE Select); coding-DNA position 3457, T replaced by C.
Protein change: p.Tyr1153His; replaces tyrosine 1153 with histidine.
Molecular consequence: missense variant. On other transcripts: non-coding transcript variant (5).
Genome position (GRCh38, 1-based): chr22:31,870,716, T>C. VCF-style: chr22-31870716-T-C. GRCh37 (hg19) VCF-style: chr22-32266702-T-C.
Other names: c.3430T>C, p.Tyr1144His (NM_001136029.4); c.3157T>C, p.Tyr1053His (NM_001242897.2); c.3391T>C, p.Tyr1131His (NM_001363852.2, NM_001364320.2); c.3223T>C, p.Tyr1075His (NM_001363854.2, NM_001364319.2); c.3457T>C, p.Tyr1153His (NM_001364318.2); c.3373T>C, p.Tyr1125His (NM_001369901.1, NM_001369902.1); c.3364T>C, p.Tyr1122His (NM_001369903.1, NM_014662.6); short protein forms Y1053H, Y1122H, Y1075H, Y1125H, Y1131H, Y1153H, Y1144H.
Identifiers: ClinVar variation 2694621 (VCV002694621.3), dbSNP rs2522189616, ClinGen allele CA411296876.

ClinVar aggregate classification (germline): Uncertain significance (1 of 4 stars; one submission).

Conditions:
Familial focal epilepsy with variable foci (FPEVF). Identifiers: Orphanet 98820, MedGen C1858477, MONDO:0020310.

Submission:

Labcorp Genetics (formerly Invitae), Labcorp
Classification: Uncertain significance for Familial focal epilepsy with variable foci. Last evaluated: 2023-11-10. Review status: criteria provided, single submitter. Criteria: Invitae Variant Classification Sherloc (09022015). Collection method: clinical testing. Allele origin: germline.
Comment: This sequence change replaces tyrosine, which is neutral and polar, with histidine, which is basic and polar, at codon 1153 of the DEPDC5 protein (p.Tyr1153His). This variant is not present in population databases (gnomAD no frequency). This variant has not been reported in the literature in individuals affected with DEPDC5-related conditions. Experimental studies and prediction algorithms are not available or were not evaluated, and the functional significance of this variant is currently unknown. In summary, the available evidence is currently insufficient to determine the role of this variant in disease. Therefore, it has been classified as a Variant of Uncertain Significance.